The following is an entry in ClinVar:

NM_001875.5(CPS1):c.2659A>T (p.Met887Leu)

Gene: CPS1 (carbamoyl-phosphate synthase 1; plus strand). Cytogenetic location: 2q34.
Variant type: single nucleotide variant.
Coding change: c.2659A>T on transcript NM_001875.5 (MANE Select); coding-DNA position 2659, A replaced by T.
Protein change: p.Met887Leu; replaces methionine 887 with leucine.
Molecular consequence: missense variant. On other transcripts: non-coding transcript variant (2).
Genome position (GRCh38, 1-based): chr2:210,616,513, A>T. VCF-style: chr2-210616513-A-T. GRCh37 (hg19) VCF-style: chr2-211481237-A-T.
Other names: c.2659A>T, p.Met887Leu (NM_001122633.3, NM_001369257.1); c.2692A>T, p.Met898Leu (NM_001369256.1); short protein forms M898L, M887L.
Identifiers: ClinVar variation 1346630 (VCV001346630.5), dbSNP rs1699312076, ClinGen allele CA350441608.

ClinVar aggregate classification (germline): Uncertain significance (1 of 4 stars; one submission).

Conditions:
Congenital hyperammonemia, type I. Also called: Carbamoyl-phosphate synthase I deficiency; Carbamoyl phosphate synthetase 1 deficiency; Hyperammonemia due to carbamoyl phosphate synthetase 1 deficiency; CPS 1 deficiency; Carbamyl phosphate synthetase (CPS) deficiency; Carbamoyl phosphate synthetase I deficiency disease. Identifiers: Orphanet 147, MedGen C4082171, MONDO:0009376, OMIM 237300.

Submission:

Labcorp Genetics (formerly Invitae), Labcorp
Classification: Uncertain significance for Congenital hyperammonemia, type I. Last evaluated: 2021-12-02. Review status: criteria provided, single submitter. Criteria: Invitae Variant Classification Sherloc (09022015). Collection method: clinical testing. Allele origin: germline.
Comment: This sequence change replaces methionine, which is neutral and non-polar, with leucine, which is neutral and non-polar, at codon 887 of the CPS1 protein (p.Met887Leu). This variant is not present in population databases (gnomAD no frequency). This variant has not been reported in the literature in individuals affected with CPS1-related conditions. Algorithms developed to predict the effect of missense changes on protein structure and function (SIFT, PolyPhen-2, Align-GVGD) all suggest that this variant is likely to be tolerated. In summary, the available evidence is currently insufficient to determine the role of this variant in disease. Therefore, it has been classified as a Variant of Uncertain Significance.